The following is an entry in ClinVar:

ClinVar aggregate classification (germline): Uncertain significance (1 of 4 stars; one submission).

Submission:

Labcorp Genetics (formerly Invitae), Labcorp
Classification: Uncertain significance. Last evaluated: 2023-04-08. Review status: criteria provided, single submitter. Criteria: Invitae Variant Classification Sherloc (09022015). Collection method: clinical testing. Allele origin: germline.
Comment: In summary, the available evidence is currently insufficient to determine the role of this variant in disease. Therefore, it has been classified as a Variant of Uncertain Significance. Advanced modeling of protein sequence and biophysical properties (such as structural, functional, and spatial information, amino acid conservation, physicochemical variation, residue mobility, and thermodynamic stability) has been performed at Invitae for this missense variant, however the output from this modeling did not meet the statistical confidence thresholds required to predict the impact of this variant on DCX protein function. This variant has not been reported in the literature in individuals affected with DCX-related conditions. This variant is not present in population databases (gnomAD no frequency). This sequence change replaces lysine, which is basic and polar, with glutamic acid, which is acidic and polar, at codon 256 of the DCX protein (p.Lys256Glu).

NM_001195553.2(DCX):c.766A>G (p.Lys256Glu)

Gene: DCX (doublecortin; minus strand). Cytogenetic location: Xq23.
Variant type: single nucleotide variant.
Coding change: c.766A>G on transcript NM_001195553.2 (MANE Select); coding-DNA position 766, A replaced by G.
Protein change: p.Lys256Glu; replaces lysine 256 with glutamic acid.
Molecular consequence: missense variant.
Genome position (GRCh38, 1-based): chrX:111,333,093, T>C on the plus strand (A>G on the coding strand, the complement: DCX is on the minus strand). VCF-style: chrX-111333093-T-C. GRCh37 (hg19) VCF-style: chrX-110576321-T-C.
Other names: c.1009A>G, p.Lys337Glu (NM_000555.3); c.766A>G, p.Lys256Glu (NM_001369370.1, NM_001369371.1, NM_001369372.1 and 6 more transcripts); short protein forms K256E, K337E.
Identifiers: ClinVar variation 2853690 (VCV002853690.3), dbSNP rs587783586, ClinGen allele CA414241692.